The following is an entry in ClinVar:

ClinVar aggregate classification (germline): Conflicting classifications of pathogenicity. Review status: criteria provided, conflicting classifications (1 of 4 stars). 5 submissions from 5 submitters: Uncertain significance (2); Likely benign (1). 2 of the submissions do not count toward it. Last evaluated 2026-01-28.

Conditions:
PKHD1-related disorder. Also called: PKHD1-related condition.
Autosomal recessive polycystic kidney disease (ARPKD). Also called: AR polycystic kidney disease. Identifiers: Orphanet 731, Orphanet 8378, MedGen C0085548, MeSH D017044, MONDO:0009889.

Allele frequency attached by ClinVar (database versions not stated): gnomAD exomes 0.00006 and 0.00030; TOPMed 0.00008; gnomAD 0.00010 and 0.00011; 1000 Genomes Project 30x 0.00016; 1000 Genomes Project 0.00020; ExAC 0.00031.
gnomAD v4.1: 95 of 1,614,074 alleles (0.0059%); highest among the groups gnomAD compares: East Asian, 0.21%; no homozygotes.

Submissions (5):

Labcorp Genetics (formerly Invitae), Labcorp
Classification: Likely benign for Autosomal recessive polycystic kidney disease. Last evaluated: 2026-01-28. Review status: criteria provided, single submitter. Criteria: Invitae Variant Classification Sherloc (09022015). Collection method: clinical testing. Allele origin: germline.

GeneDx
Classification: Uncertain significance. Last evaluated: 2020-01-30. Review status: criteria provided, single submitter. Criteria: GeneDx Variant Classification Process June 2021. Collection method: clinical testing. Allele origin: germline. Affected: yes.
Comment: In silico analysis, which includes protein predictors and evolutionary conservation, supports a deleterious effect; Has not been previously published as pathogenic or benign to our knowledge

Eurofins Ntd Llc (ga)
Classification: Uncertain significance. Last evaluated: 2017-07-05. Review status: criteria provided, single submitter. Criteria: EGL Classification Definitions 2015. Collection method: clinical testing. Allele origin: germline. Observed: 3 variant alleles, 3 heterozygotes.

PreventionGenetics, part of Exact Sciences
Classification: Likely benign for PKHD1-related condition. Last evaluated: 2024-06-25. Review status: no assertion criteria provided. Collection method: clinical testing. Allele origin: germline. Not counted in ClinVar's aggregate classification.
Comment: This variant is classified as likely benign based on ACMG/AMP sequence variant interpretation guidelines (Richards et al. 2015 PMID: 25741868, with internal and published modifications).

Natera, Inc.
Classification: Uncertain significance for Autosomal recessive polycystic kidney disease. Last evaluated: 2018-05-21. Review status: no assertion criteria provided. Collection method: clinical testing. Allele origin: germline. Not counted in ClinVar's aggregate classification.

NM_138694.4(PKHD1):c.1849T>C (p.Tyr617His)

Gene: PKHD1 (PKHD1 ciliary IPT domain containing fibrocystin/polyductin; minus strand). Cytogenetic location: 6p12.2.
Variant type: single nucleotide variant.
Coding change: c.1849T>C on transcript NM_138694.4 (MANE Select); coding-DNA position 1849, T replaced by C.
Protein change: p.Tyr617His; replaces tyrosine 617 with histidine.
Molecular consequence: missense variant.
Genome position (GRCh38, 1-based): chr6:52,054,153, A>G on the plus strand (T>C on the coding strand, the complement: PKHD1 is on the minus strand). VCF-style: chr6-52054153-A-G. GRCh37 (hg19) VCF-style: chr6-51918951-A-G.
Other names: c.1849T>C, p.Tyr617His (NM_170724.3); short protein forms Y617H.
Identifiers: ClinVar variation 195538 (VCV000195538.18), dbSNP rs141177165, ClinGen allele CA241995.